The following is an entry in ClinVar:

NM_001756.4(SERPINA6):c.1179G>C (p.Trp393Cys)

Gene: SERPINA6 (serpin family A member 6; minus strand). Cytogenetic location: 14q32.13.
Variant type: single nucleotide variant.
Coding change: c.1179G>C on transcript NM_001756.4 (MANE Select); coding-DNA position 1179, G replaced by C.
Protein change: p.Trp393Cys; replaces tryptophan 393 with cysteine.
Molecular consequence: missense variant.
Genome position (GRCh38, 1-based): chr14:94,304,457, C>G on the plus strand (G>C on the coding strand, the complement: SERPINA6 is on the minus strand). VCF-style: chr14-94304457-C-G. GRCh37 (hg19) VCF-style: chr14-94770794-C-G.
Other names: short protein forms W393C.
Identifiers: ClinVar variation 2504865 (VCV002504865.1), dbSNP rs2139712629, ClinGen allele CA390848687.

ClinVar aggregate classification (germline): Uncertain significance (1 of 4 stars; one submission).

Submission:

GeneDx
Classification: Uncertain significance. Last evaluated: 2022-12-09. Review status: criteria provided, single submitter. Criteria: GeneDx Variant Classification Process June 2021. Collection method: clinical testing. Allele origin: germline. Affected: yes.
Comment: Not observed at significant frequency in large population cohorts (gnomAD); In silico analysis supports that this missense variant has a deleterious effect on protein structure/function; Has not been previously published as pathogenic or benign to our knowledge